The following is an entry in ClinVar:

NM_018906.3(PCDHA3):c.2037G>T (p.Ser679=)

Genes: PCDHA1 (protocadherin alpha 1; plus strand), PCDHA2 (protocadherin alpha 2; plus strand), PCDHA3 (protocadherin alpha 3; plus strand), PCDHA@ (protocadherin alpha cluster, complex locus; plus strand). Cytogenetic location: 5q31.3.
Variant type: single nucleotide variant.
Coding change: c.2037G>T on transcript NM_018906.3 (MANE Select); coding-DNA position 2037, G replaced by T.
Protein change: p.Ser679=; no amino-acid change (serine 679 retained).
Molecular consequence: synonymous variant. On other transcripts: intron variant (4).
Genome position (GRCh38, 1-based): chr5:140,803,234, G>T. VCF-style: chr5-140803234-G-T. GRCh37 (hg19) VCF-style: chr5-140182819-G-T.
Other names: c.2037G>T, p.Ser679= (NM_031497.2); c.2394+14550G>T (NM_018900.4); c.1602+15342G>T (NM_031411.3); c.2388+5882G>T (NM_018905.3); c.2389-1826G>T (NM_031496.2).
Identifiers: ClinVar variation 770358 (VCV000770358.5), dbSNP rs34395025, ClinGen allele CA3446672.

ClinVar aggregate classification (germline): Benign. Review status: criteria provided, single submitter (1 of 4 stars). 2 submissions from 2 submitters: Benign (1). 1 of the submissions does not count toward it. Last evaluated 2018-07-26.

Conditions:
PCDHA3-related disorder. Also called: PCDHA3-related condition.

Allele frequency attached by ClinVar (database versions not stated): 1000 Genomes Project 0.00519; TOPMed 0.00771; ESP Exome Variant Server 0.00830; 1000 Genomes Project 30x 0.00609; ExAC 0.00711.
gnomAD v4.1: 15,059 of 1,613,812 alleles (0.93%); highest among the groups gnomAD compares: Middle Eastern, 2%; 90 homozygotes.

Submissions (2):

Labcorp Genetics (formerly Invitae), Labcorp
Classification: Benign. Last evaluated: 2018-07-26. Review status: criteria provided, single submitter. Criteria: Invitae Variant Classification Sherloc (09022015). Collection method: clinical testing. Allele origin: germline.

PreventionGenetics, part of Exact Sciences
Classification: Benign for PCDHA3-related condition. Last evaluated: 2019-02-22. Review status: no assertion criteria provided. Collection method: clinical testing. Allele origin: germline. Not counted in ClinVar's aggregate classification.
Comment: This variant is classified as benign based on ACMG/AMP sequence variant interpretation guidelines (Richards et al. 2015 PMID: 25741868, with internal and published modifications).